The following is an entry in ClinVar:

ClinVar aggregate classification (germline): Uncertain significance (1 of 4 stars; one submission).

Conditions:
Congenital contractural arachnodactyly (CCA). Also called: Beals-Hecht syndrome; BEALS SYNDROME; Arthrogryposis, distal, type 9. Identifiers: Orphanet 115, MedGen C0220668, MONDO:0007363, OMIM 121050.

gnomAD v4.1: 1 of 1,612,714 alleles (0.000062%); highest among the groups gnomAD compares: Non-Finnish European, 0.000085%; no homozygotes.

Submission:

Labcorp Genetics (formerly Invitae), Labcorp
Classification: Uncertain significance for Congenital contractural arachnodactyly. Last evaluated: 2024-03-07. Review status: criteria provided, single submitter. Criteria: Invitae Variant Classification Sherloc (09022015). Collection method: clinical testing. Allele origin: germline.
Comment: This sequence change affects codon 774 of the FBN2 mRNA. It is a 'silent' change, meaning that it does not change the encoded amino acid sequence of the FBN2 protein. This variant is not present in population databases (gnomAD no frequency). This variant has not been reported in the literature in individuals affected with FBN2-related conditions. Algorithms developed to predict the effect of sequence changes on RNA splicing suggest that this variant may disrupt the consensus splice site. In summary, the available evidence is currently insufficient to determine the role of this variant in disease. Therefore, it has been classified as a Variant of Uncertain Significance.

NM_001999.4(FBN2):c.2322G>A (p.Leu774=)

Gene: FBN2 (fibrillin 2; minus strand). Cytogenetic location: 5q23.3.
Variant type: single nucleotide variant.
Coding change: c.2322G>A on transcript NM_001999.4 (MANE Select); coding-DNA position 2322, G replaced by A.
Protein change: p.Leu774=; no amino-acid change (leucine 774 retained).
Molecular consequence: synonymous variant.
Genome position (GRCh38, 1-based): chr5:128,364,706, C>T on the plus strand (G>A on the coding strand, the complement: FBN2 is on the minus strand). VCF-style: chr5-128364706-C-T. GRCh37 (hg19) VCF-style: chr5-127700399-C-T.
Identifiers: ClinVar variation 3703858 (VCV003703858.2).